The following is an entry in ClinVar:

ClinVar aggregate classification (germline): Uncertain significance (1 of 4 stars; one submission).

Allele frequency attached by ClinVar (database versions not stated): TOPMed below 0.00001; ExAC 0.00001.
gnomAD v4.1: 1 of 1,613,488 alleles (0.000062%); highest among the groups gnomAD compares: Admixed American, 0.0017%; no homozygotes.

Submission:

Labcorp Genetics (formerly Invitae), Labcorp
Classification: Uncertain significance. Last evaluated: 2026-01-27. Review status: criteria provided, single submitter. Criteria: Invitae Variant Classification Sherloc (09022015). Collection method: clinical testing. Allele origin: germline.
Comment: This sequence change replaces serine, which is neutral and polar, with threonine, which is neutral and polar, at codon 1112 of the ITGAM protein (p.Ser1112Thr). This variant is present in population databases (rs773377351, gnomAD 0.003%). This variant has not been reported in the literature in individuals affected with ITGAM-related conditions. ClinVar contains an entry for this variant (Variation ID: 3005052). An algorithm developed to predict the effect of missense changes on protein structure and function (PolyPhen-2) suggests that this variant is likely to be disruptive. In summary, the available evidence is currently insufficient to determine the role of this variant in disease. Therefore, it has been classified as a Variant of Uncertain Significance.

NM_000632.4(ITGAM):c.3335G>C (p.Ser1112Thr)

Gene: ITGAM (integrin subunit alpha M; plus strand). Cytogenetic location: 16p11.2.
Variant type: single nucleotide variant.
Coding change: c.3335G>C on transcript NM_000632.4 (MANE Select); coding-DNA position 3335, G replaced by C.
Protein change: p.Ser1112Thr; replaces serine 1112 with threonine.
Molecular consequence: missense variant.
Genome position (GRCh38, 1-based): chr16:31,331,223, G>C. VCF-style: chr16-31331223-G-C. GRCh37 (hg19) VCF-style: chr16-31342544-G-C.
Other names: c.3338G>C, p.Ser1113Thr (NM_001145808.2); short protein forms S1113T, S1112T.
Identifiers: ClinVar variation 3005052 (VCV003005052.3), dbSNP rs773377351, ClinGen allele CA8026162.